The following is an entry in ClinVar:

NM_182641.4(BPTF):c.5879C>G (p.Thr1960Ser)

Gene: BPTF (bromodomain PHD finger transcription factor; plus strand). Cytogenetic location: 17q24.2.
Variant type: single nucleotide variant.
Coding change: c.5879C>G on transcript NM_182641.4 (MANE Select); coding-DNA position 5879, C replaced by G.
Protein change: p.Thr1960Ser; replaces threonine 1960 with serine.
Molecular consequence: missense variant.
Genome position (GRCh38, 1-based): chr17:67,928,482, C>G. VCF-style: chr17-67928482-C-G. GRCh37 (hg19) VCF-style: chr17-65924598-C-G.
Other names: c.6257C>G, p.Thr2086Ser (NM_004459.7); short protein forms T1960S, T2086S.
Identifiers: ClinVar variation 1327705 (VCV001327705.2), dbSNP rs2064102524, ClinGen allele CA400717099.

ClinVar aggregate classification (germline): Uncertain significance (1 of 4 stars; one submission).

Allele frequency attached by ClinVar (database versions not stated): gnomAD exomes below 0.00001.
gnomAD v4.1: 1 of 1,614,156 alleles (0.000062%); highest among the groups gnomAD compares: Non-Finnish European, 0.000085%; no homozygotes.

Submission:

GeneDx
Classification: Uncertain significance. Last evaluated: 2021-06-09. Review status: criteria provided, single submitter. Criteria: GeneDx Variant Classification Process June 2021. Collection method: clinical testing. Allele origin: germline. Affected: yes.
Comment: Not observed at significant frequency in large population cohorts (Lek et al., 2016); In silico analysis supports that this missense variant does not alter protein structure/function; Has not been previously published as pathogenic or benign to our knowledge; This variant is associated with the following publications: (PMID: 27535533)